The following is an entry in ClinVar:

ClinVar aggregate classification (germline): Uncertain significance (1 of 4 stars; one submission).

Conditions:
Pitt-Hopkins-like syndrome 2 (PTHSL2). Identifiers: Orphanet 221150, Orphanet 600663, MedGen C3280479, MONDO:0013690, OMIM 614325.

Allele frequency attached by ClinVar (database versions not stated): gnomAD exomes 0.00001.
gnomAD v4.1: 4 of 1,610,128 alleles (0.00025%); highest among the groups gnomAD compares: South Asian, 0.0033%; no homozygotes.

Submission:

Labcorp Genetics (formerly Invitae), Labcorp
Classification: Uncertain significance for Pitt-Hopkins-like syndrome 2. Last evaluated: 2019-06-15. Review status: criteria provided, single submitter. Criteria: Invitae Variant Classification Sherloc (09022015). Collection method: clinical testing. Allele origin: germline.
Comment: This sequence change replaces aspartic acid with asparagine at codon 305 of the NRXN1 protein (p.Asp305Asn). The aspartic acid residue is highly conserved and there is a small physicochemical difference between aspartic acid and asparagine. In summary, the available evidence is currently insufficient to determine the role of this variant in disease. Therefore, it has been classified as a Variant of Uncertain Significance. Algorithms developed to predict the effect of missense changes on protein structure and function are either unavailable or do not agree on the potential impact of this missense change (SIFT: "Deleterious"; PolyPhen-2: "Benign"; Align-GVGD: "Class C0"). This variant has not been reported in the literature in individuals with NRXN1-related conditions. This variant is present in population databases (rs777604099, ExAC 0.01%).

NM_001330078.2(NRXN1):c.814G>A (p.Asp272Asn)

Gene: NRXN1 (neurexin 1; minus strand). Cytogenetic location: 2p16.3.
Variant type: single nucleotide variant.
Coding change: c.814G>A on transcript NM_001330078.2 (MANE Select); coding-DNA position 814, G replaced by A.
Protein change: p.Asp272Asn; replaces aspartic acid 272 with asparagine.
Molecular consequence: missense variant. On other transcripts: intron variant (4).
Genome position (GRCh38, 1-based): chr2:50,922,664, C>T on the plus strand (G>A on the coding strand, the complement: NRXN1 is on the minus strand). VCF-style: chr2-50922664-C-T. GRCh37 (hg19) VCF-style: chr2-51149802-C-T.
Other names: c.913G>A, p.Asp305Asn (NM_001135659.3); c.814G>A, p.Asp272Asn (NM_001330077.2, NM_001330081.2, NM_001330082.2 and 6 more transcripts); c.811G>A, p.Asp271Asn (NM_001330079.2, NM_001330093.2); c.796G>A, p.Asp266Asn (NM_001330088.2, NM_001330089.2); c.772+104838G>A (NM_001330096.2, NM_001330087.2, NM_001330083.2 and 1 more transcripts); short protein forms D271N, D272N, D305N, D266N.
Identifiers: ClinVar variation 940561 (VCV000940561.9), dbSNP rs777604099, ClinGen allele CA1655298.